The following is an entry in ClinVar:

NM_003742.4(ABCB11):c.2872_2873dup (p.Phe959fs)

Genes: ABCB11 (ATP binding cassette subfamily B member 11; minus strand), LOC126806400 (CDK7 strongly-dependent group 2 enhancer GRCh37_chr2:169791870-169793069; plus strand). Cytogenetic location: 2q31.1.
Variant type: Duplication.
Coding change: c.2872_2873dup on transcript NM_003742.4 (MANE Select); coding-DNA positions 2872 to 2873, 2 bases duplicated (CG; older notation c.2872_2873dupCG).
Protein change: p.Phe959fs; shifts the reading frame from phenylalanine 959.
Molecular consequence: frameshift variant.
Genome position (GRCh38, 1-based): chr2:168,935,367-168,935,368, CG duplicated on the plus strand (CG on the coding strand, the reverse complement: ABCB11 is on the minus strand); duplicating any 2 consecutive bases within chr2:168,935,367-168,935,369 gives the same sequence; the c. name uses the placement nearest the transcript's 3' end. VCF-style (leftmost placement, unchanged base first): chr2-168935366-C-CCG. GRCh37 (hg19) VCF-style: chr2-169791876-C-CCG.
Other names: short protein forms F959fs.
Identifiers: ClinVar variation 4846003 (VCV004846003.1).

ClinVar aggregate classification (germline): Pathogenic (1 of 4 stars; one submission).

Conditions:
Familial intrahepatic cholestasis. Identifiers: Orphanet 284385, MedGen CN296401, MONDO:0017290.

Submission:

Genomenon, Inc
Classification: Pathogenic for Familial intrahepatic cholestasis. Last evaluated: 2026-04-14. Review status: criteria provided, single submitter. Criteria: Genomenon Sequence Variant Interpretation Standards - Updated. Collection method: curation. Allele origin: germline. Affected: yes.
Comment: ABCB11 p.Phe959GlyfsTer49 (c.2872_2873dup) is a frameshift variant that results in the production of a truncated protein which is predicted to undergo nonsense-mediated mRNA decay. This variant has been observed in at least one proband with an ABCB11-related disorder (PMID:35626323). It is absent or not present at a significant frequency in gnomAD. In conclusion, we classify ABCB11 p.Phe959GlyfsTer49 (c.2872_2873dup) as a pathogenic variant.

Literature cited by the submitters: PubMed 35626323.